The following is an entry in ClinVar:

ClinVar aggregate classification (germline): Pathogenic. Review status: criteria provided, multiple submitters, no conflicts (2 of 4 stars). 2 submissions from 2 submitters: Pathogenic (2). Last evaluated 2025-08-11.

Conditions:
Cardiovascular phenotype. Identifiers: MedGen CN230736.
Arrhythmogenic right ventricular dysplasia 9 (ARVD9). Also called: Arrhythmogenic Right Ventricular Dysplasia/Cardiomyopathy 9; ARRHYTHMOGENIC RIGHT VENTRICULAR DYSPLASIA, FAMILIAL, 9. Identifiers: MedGen C1836906, MONDO:0012180, OMIM 609040.

Submissions (2):

Labcorp Genetics (formerly Invitae), Labcorp
Classification: Pathogenic for Arrhythmogenic right ventricular dysplasia 9. Last evaluated: 2025-08-11. Review status: criteria provided, single submitter. Criteria: Invitae Variant Classification Sherloc (09022015). Collection method: clinical testing. Allele origin: germline.
Comment: This sequence change creates a premature translational stop signal (p.Gly322Alafs*30) in the PKP2 gene. It is expected to result in an absent or disrupted protein product. Loss-of-function variants in PKP2 are known to be pathogenic (PMID: 15489853, 17041889, 23911551). This variant is not present in population databases (gnomAD no frequency). This variant has not been reported in the literature in individuals affected with PKP2-related conditions. ClinVar contains an entry for this variant (Variation ID: 1767635). For these reasons, this variant has been classified as Pathogenic.

Ambry Genetics
Classification: Pathogenic for Cardiovascular phenotype. Last evaluated: 2024-12-26. Review status: criteria provided, single submitter. Criteria: Ambry Variant Classification Scheme 2023. Collection method: clinical testing. Allele origin: germline.
Comment: The c.963delC pathogenic mutation, located in coding exon 3 of the PKP2 gene, results from a deletion of one nucleotide at nucleotide position 963, causing a translational frameshift with a predicted alternate stop codon (p.G322Afs*30). This variant is considered to be rare based on population cohorts in the Genome Aggregation Database (gnomAD). This alteration is expected to result in loss of function by premature protein truncation or nonsense-mediated mRNA decay. As such, this alteration is interpreted as a disease-causing mutation.

Literature cited by the submitters: PubMed 15489853 (cited by Labcorp Genetics (formerly Invitae), Labcorp); PubMed 17041889 (cited by Labcorp Genetics (formerly Invitae), Labcorp); PubMed 23911551 (cited by Labcorp Genetics (formerly Invitae), Labcorp).

NM_001005242.3(PKP2):c.963del (p.Gly322fs)

Gene: PKP2 (plakophilin 2; minus strand). Cytogenetic location: 12p11.21.
Variant type: Deletion.
Coding change: c.963del on transcript NM_001005242.3 (MANE Select); coding-DNA position 963, one base deleted (C; older notation c.963delC).
Protein change: p.Gly322fs; shifts the reading frame from glycine 322.
Molecular consequence: frameshift variant.
Genome position (GRCh38, 1-based): chr12:32,877,917, G deleted on the plus strand (C on the coding strand, the reverse complement: PKP2 is on the minus strand). VCF-style (leftmost placement, unchanged base first): chr12-32877916-CG-C. GRCh37 (hg19) VCF-style: chr12-33030850-CG-C.
Other names: c.963delC, p.Gly322Alafs (NM_001407155.1, NM_001407156.1, NM_001407157.1 and 1 more transcripts); c.636delC, p.Gly213Alafs (NM_001407158.1, NM_001407159.1, NM_001407160.1 and 1 more transcripts); c.963del, p.Gly322fs (NM_004572.4); short protein forms G322fs.
Identifiers: ClinVar variation 1767635 (VCV001767635.6), dbSNP rs2541338462, ClinGen allele CA2580085413.